The following is an entry in ClinVar:

ClinVar aggregate classification (germline): Uncertain significance (1 of 4 stars; one submission).

Allele frequency attached by ClinVar (database versions not stated): gnomAD 0.00001.
gnomAD v4.1: 1 of 1,614,042 alleles (0.000062%); highest among the groups gnomAD compares: African/African-American, 0.0013%; no homozygotes.

Submission:

GeneDx
Classification: Uncertain significance. Last evaluated: 2013-12-24. Review status: criteria provided, single submitter. Criteria: GeneDx Variant Classification (06012015). Collection method: clinical testing. Allele origin: germline. Affected: yes.
Comment: This variant is denoted PALB2 c.3437A>G at the cDNA level, p.Gln1146Arg (Q1146R) at the protein level, and results in the change of a Glutamine to an Arginine (CAG>CGG). This variant has not, to our knowledge, been published in the literature as pathogenic or benign. PALB2 Gln1146Arg was not observed in approximately 6,500 individuals of European and African American ancestry in the NHLBI Exome Sequencing Project, indicating it is not a common benign variant in these populations. This variant is a semi-conservative substitution in which a neutral polar amino acid is replaced with a positive polar one, altering a position that is highly variable throughout evolution and is located in the protein region that interacts with RAD51 and BRCA2. In silico analyses predict this variant to have a benign effect on protein structure and function. Based on currently available information, it is unclear whether PALB2 Gln1146Arg is pathogenic or benign. We consider it to be a variant of uncertain significance.

NM_024675.4(PALB2):c.3437A>G (p.Gln1146Arg)

Gene: PALB2 (partner and localizer of BRCA2; minus strand). Cytogenetic location: 16p12.2.
Variant type: single nucleotide variant.
Coding change: c.3437A>G on transcript NM_024675.4 (MANE Select); coding-DNA position 3437, A replaced by G.
Protein change: p.Gln1146Arg; replaces glutamine 1146 with arginine.
Molecular consequence: missense variant.
Genome position (GRCh38, 1-based): chr16:23,603,583, T>C on the plus strand (A>G on the coding strand, the complement: PALB2 is on the minus strand). VCF-style: chr16-23603583-T-C. GRCh37 (hg19) VCF-style: chr16-23614904-T-C.
Other names: p.Q1146R:CAG>CGG; short protein forms Q1146R.
Identifiers: ClinVar variation 128141 (VCV000128141.2), dbSNP rs587780219, ClinGen allele CA288481.
Genomic context (GRCh38, chr16:23,603,583, plus strand): 5'-CCCGACCATTTCACAAAAGACCAATGTTGGTCAGAGACAGGTGGGAGGAGGGCAGTACAC[T>C]GACCGAGAAGTAAGTCCCAAATGGCAATTGTTCCAGAAGTCAAGATTGCTGCTGCACAGT-3'
Protein context (NP_078951.2, residues 1136-1156): TIAIWDLLLG[Gln1146Arg]CTALLPPVSD